The following is an entry in ClinVar:

ClinVar aggregate classification (germline): Uncertain significance. Review status: criteria provided, multiple submitters, no conflicts (2 of 4 stars). 2 submissions from 2 submitters: Uncertain significance (2). Last evaluated 2026-03-07.

Conditions:
Dilated cardiomyopathy 1O (CMD1O). Also called: CARDIOMYOPATHY, DILATED, WITH VENTRICULAR TACHYCARDIA. Identifiers: Orphanet 154, MedGen C1837839, MONDO:0012062, OMIM 608569.
Cardiovascular phenotype. Identifiers: MedGen CN230736.

gnomAD v4.1: 3 of 1,613,252 alleles (0.00019%); highest among the groups gnomAD compares: Non-Finnish European, 0.00025%; no homozygotes.

Submissions (2):

Ambry Genetics
Classification: Uncertain significance for Cardiovascular phenotype. Last evaluated: 2026-03-07. Review status: criteria provided, single submitter. Criteria: Ambry Variant Classification Scheme 2023. Collection method: clinical testing. Allele origin: germline.
Comment: The p.A1496T variant (also known as c.4486G>A), located in coding exon 37 of the ABCC9 gene, results from a G to A substitution at nucleotide position 4486. The alanine at codon 1496 is replaced by threonine, an amino acid with similar properties. This amino acid position is conserved. In addition, the in silico prediction for this alteration is inconclusive. Based on the available evidence, the clinical significance of this variant remains unclear.

Labcorp Genetics (formerly Invitae), Labcorp
Classification: Uncertain significance for Dilated cardiomyopathy 1O. Last evaluated: 2026-01-20. Review status: criteria provided, single submitter. Criteria: Invitae Variant Classification Sherloc (09022015). Collection method: clinical testing. Allele origin: germline.
Comment: This sequence change replaces alanine, which is neutral and non-polar, with threonine, which is neutral and polar, at codon 1496 of the ABCC9 protein (p.Ala1496Thr). This variant is present in population databases (no rsID available, gnomAD 0.0009%). This variant has not been reported in the literature in individuals affected with ABCC9-related conditions. Invitae Evidence Modeling of protein sequence and biophysical properties (such as structural, functional, and spatial information, amino acid conservation, physicochemical variation, residue mobility, and thermodynamic stability) indicates that this missense variant is expected to disrupt ABCC9 protein function with a positive predictive value of 95%. In summary, the available evidence is currently insufficient to determine the role of this variant in disease. Therefore, it has been classified as a Variant of Uncertain Significance.

NM_020297.4(ABCC9):c.4486G>A (p.Ala1496Thr)

Genes: ABCC9 (ATP binding cassette subfamily C member 9; minus strand), KCNJ8-AS1 (KCNJ8 antisense RNA 1; plus strand). Cytogenetic location: 12p12.1.
Variant type: single nucleotide variant.
Coding change: c.4486G>A on transcript NM_020297.4 (MANE Select); coding-DNA position 4486, G replaced by A.
Protein change: p.Ala1496Thr; replaces alanine 1496 with threonine.
Molecular consequence: missense variant.
Genome position (GRCh38, 1-based): chr12:21,806,024, C>T on the plus strand (G>A on the coding strand, the complement: ABCC9 is on the minus strand). VCF-style: chr12-21806024-C-T. GRCh37 (hg19) VCF-style: chr12-21958958-C-T.
Other names: c.4486G>A, p.Ala1496Thr (NM_001377273.1, NM_005691.4); c.3619G>A, p.Ala1207Thr (NM_001377274.1); short protein forms A1207T, A1496T.
Identifiers: ClinVar variation 4740142 (VCV004740142.2).